The following is an entry in ClinVar:

ClinVar aggregate classification (germline): Uncertain significance. Review status: criteria provided, multiple submitters, no conflicts (2 of 4 stars). 5 submissions from 5 submitters: Uncertain significance (5). Last evaluated 2025-05-20.

Conditions:
Inborn genetic diseases. Identifiers: MedGen C0950123, MeSH D030342.
LAMA2-related muscular dystrophy (LAMA2-RD). Also called: Laminin alpha 2-related dystrophy. Identifiers: MedGen C5679788, MONDO:0100228.
Limb-girdle muscular dystrophy (LGMD). Also called: Muscular Dystrophies, Limb-Girdle. Identifiers: Orphanet 263, MedGen C0686353, MeSH D049288, MONDO:0016971, HP:0006785.

Allele frequency attached by ClinVar (database versions not stated): ExAC 0.00001; gnomAD 0.00001 and 0.00002; gnomAD exomes 0.00001 and 0.00005; TOPMed 0.00001.
gnomAD v4.1: 70 of 1,613,414 alleles (0.0043%); highest among the groups gnomAD compares: African/African-American, 0.0053%; no homozygotes.

Submissions (5):

Mayo Clinic Laboratories, Mayo Clinic
Classification: Uncertain significance. Last evaluated: 2025-05-20. Review status: criteria provided, single submitter. Criteria: ACMG Guidelines, 2015. Collection method: clinical testing. Allele origin: germline. Observed: 1 variant allele.
Comment: BP4_moderate

Labcorp Genetics (formerly Invitae), Labcorp
Classification: Uncertain significance for LAMA2-related muscular dystrophy. Last evaluated: 2022-06-10. Review status: criteria provided, single submitter. Criteria: Invitae Variant Classification Sherloc (09022015). Collection method: clinical testing. Allele origin: germline.
Comment: This sequence change replaces arginine, which is basic and polar, with histidine, which is basic and polar, at codon 499 of the LAMA2 protein (p.Arg499His). This variant is present in population databases (rs752075358, gnomAD 0.003%). This variant has not been reported in the literature in individuals affected with LAMA2-related conditions. ClinVar contains an entry for this variant (Variation ID: 477442). Advanced modeling of protein sequence and biophysical properties (such as structural, functional, and spatial information, amino acid conservation, physicochemical variation, residue mobility, and thermodynamic stability) performed at Invitae indicates that this missense variant is not expected to disrupt LAMA2 protein function. In summary, the available evidence is currently insufficient to determine the role of this variant in disease. Therefore, it has been classified as a Variant of Uncertain Significance.

Ambry Genetics
Classification: Uncertain significance for Inborn genetic diseases. Last evaluated: 2022-05-23. Review status: criteria provided, single submitter. Criteria: Ambry Variant Classification Scheme 2023. Collection method: clinical testing. Allele origin: germline.

Revvity Omics, Revvity
Classification: Uncertain significance. Last evaluated: 2020-03-11. Review status: criteria provided, single submitter. Criteria: ACMG Guidelines, 2015. Collection method: clinical testing. Allele origin: germline.

Cambridge Genomics Laboratory, East Genomic Laboratory Hub, NHS Genomic Medicine Service
Classification: Uncertain significance for Limb-girdle muscular dystrophy. Last evaluated: 2019-04-17. Review status: criteria provided, single submitter. Criteria: ACGS Best Practice Guidelines for Variant Classification in Rare Disease 2020. Collection method: clinical testing. Allele origin: germline. Affected: yes. Observed: 1 variant allele.

NM_000426.4(LAMA2):c.1496G>A (p.Arg499His)

Gene: LAMA2 (laminin subunit alpha 2; plus strand). Cytogenetic location: 6q22.33.
Variant type: single nucleotide variant.
Coding change: c.1496G>A on transcript NM_000426.4 (MANE Select); coding-DNA position 1496, G replaced by A.
Protein change: p.Arg499His; replaces arginine 499 with histidine.
Molecular consequence: missense variant.
Genome position (GRCh38, 1-based): chr6:129,190,233, G>A. VCF-style: chr6-129190233-G-A. GRCh37 (hg19) VCF-style: chr6-129511378-G-A.
Other names: p.Arg499His; c.1496G>A, p.Arg499His (NM_001079823.2); short protein forms R499H.
Identifiers: ClinVar variation 477442 (VCV000477442.9), dbSNP rs752075358, ClinGen allele CA3992637.